The following is an entry in ClinVar:

NM_000540.3(RYR1):c.6701G>A (p.Arg2234His)

Gene: RYR1 (ryanodine receptor 1; plus strand). Cytogenetic location: 19q13.2.
Variant type: single nucleotide variant.
Coding change: c.6701G>A on transcript NM_000540.3 (MANE Select); coding-DNA position 6701, G replaced by A.
Protein change: p.Arg2234His; replaces arginine 2234 with histidine.
Molecular consequence: missense variant.
Genome position (GRCh38, 1-based): chr19:38,496,446, G>A. VCF-style: chr19-38496446-G-A. GRCh37 (hg19) VCF-style: chr19-38987086-G-A.
Other names: c.6701G>A, p.Arg2234His (NM_001042723.2); short protein forms R2234H.
Identifiers: ClinVar variation 2435519 (VCV002435519.6), dbSNP rs1251260760, ClinGen allele CA405666239.

ClinVar aggregate classification (germline): Conflicting classifications of pathogenicity. Review status: criteria provided, conflicting classifications (1 of 4 stars). 2 submissions from 2 submitters: Likely pathogenic (1); Uncertain significance (1). Last evaluated 2025-10-14.

Conditions:
RYR1-related disorder. Also called: RYR1-related condition; RYR1-related disorders. Identifiers: MedGen CN239331.

Allele frequency attached by ClinVar (database versions not stated): gnomAD exomes 0.00001.
gnomAD v4.1: 14 of 1,613,754 alleles (0.00087%); highest among the groups gnomAD compares: East Asian, 0.0045%; no homozygotes.

Submissions (2):

Labcorp Genetics (formerly Invitae), Labcorp
Classification: Likely pathogenic for RYR1-related disorder. Last evaluated: 2025-10-14. Review status: criteria provided, single submitter. Criteria: Invitae Variant Classification Sherloc (09022015). Collection method: clinical testing. Allele origin: germline.
Comment: This sequence change replaces arginine, which is basic and polar, with histidine, which is basic and polar, at codon 2234 of the RYR1 protein (p.Arg2234His). This variant is present in population databases (no rsID available, gnomAD 0.006%). This missense change has been observed in individual(s) with autosomal dominant RYR1-related conditions (PMID: 32403337). ClinVar contains an entry for this variant (Variation ID: 2435519). Invitae Evidence Modeling of protein sequence and biophysical properties (such as structural, functional, and spatial information, amino acid conservation, physicochemical variation, residue mobility, and thermodynamic stability) indicates that this missense variant is not expected to disrupt RYR1 protein function with a negative predictive value of 80%. This variant disrupts the p.Arg2234 amino acid residue in RYR1. Other variant(s) that disrupt this residue have been determined to be pathogenic (PMID: 24195946). This suggests that this residue is clinically significant, and that variants that disrupt this residue are likely to be disease-causing. In summary, the currently available evidence indicates that the variant is pathogenic, but additional data are needed to prove that conclusively. Therefore, this variant has been classified as Likely Pathogenic.

Revvity Omics, Revvity
Classification: Uncertain significance. Last evaluated: 2025-05-02. Review status: criteria provided, single submitter. Criteria: ACMG Guidelines, 2015. Collection method: clinical testing. Allele origin: germline.

Literature cited by the submitters: PubMed 32403337 (cited by Labcorp Genetics (formerly Invitae), Labcorp); PubMed 24195946 (cited by Labcorp Genetics (formerly Invitae), Labcorp).